The following is an entry in ClinVar:

ClinVar aggregate classification (germline): Conflicting classifications of pathogenicity. Review status: criteria provided, conflicting classifications (1 of 4 stars). 2 submissions from 2 submitters: Uncertain significance (1); Likely benign (1). Last evaluated 2025-10-14.

Conditions:
Inborn genetic diseases. Identifiers: MedGen C0950123, MeSH D030342.
Neurodevelopmental disorder with hypotonia, stereotypic hand movements, and impaired language. Also called: Intellectual disability, autosomal dominant 20. Identifiers: Orphanet 228384, Orphanet 664410, MedGen C3150700, MONDO:0013266, OMIM 613443.

Allele frequency attached by ClinVar (database versions not stated): ExAC 0.00002; gnomAD exomes below 0.00001; TOPMed 0.00002; gnomAD 0.00003.
gnomAD v4.1: 8 of 1,613,278 alleles (0.0005%); highest among the groups gnomAD compares: Non-Finnish European, 0.00068%; no homozygotes.

Submissions (2):

Ambry Genetics
Classification: Likely benign for Inborn genetic diseases. Last evaluated: 2025-10-14. Review status: criteria provided, single submitter. Criteria: Ambry Variant Classification Scheme 2023. Collection method: clinical testing. Allele origin: germline.

Labcorp Genetics (formerly Invitae), Labcorp
Classification: Uncertain significance for Neurodevelopmental disorder with hypotonia, stereotypic hand movements, and impaired language. Last evaluated: 2025-04-17. Review status: criteria provided, single submitter. Criteria: Invitae Variant Classification Sherloc (09022015). Collection method: clinical testing. Allele origin: germline.
Comment: This sequence change replaces isoleucine, which is neutral and non-polar, with valine, which is neutral and non-polar, at codon 259 of the MEF2C protein (p.Ile259Val). This variant is not present in population databases (gnomAD no frequency). This variant has not been reported in the literature in individuals affected with MEF2C-related conditions. ClinVar contains an entry for this variant (Variation ID: 2726477). Invitae Evidence Modeling of protein sequence and biophysical properties (such as structural, functional, and spatial information, amino acid conservation, physicochemical variation, residue mobility, and thermodynamic stability) indicates that this missense variant is not expected to disrupt MEF2C protein function with a negative predictive value of 95%. In summary, the available evidence is currently insufficient to determine the role of this variant in disease. Therefore, it has been classified as a Variant of Uncertain Significance.

NM_002397.5(MEF2C):c.775A>G (p.Ile259Val)

Gene: MEF2C (myocyte enhancer factor 2C; minus strand). Cytogenetic location: 5q14.3.
Variant type: single nucleotide variant.
Coding change: c.775A>G on transcript NM_002397.5 (MANE Select); coding-DNA position 775, A replaced by G.
Protein change: p.Ile259Val; replaces isoleucine 259 with valine.
Molecular consequence: missense variant.
Genome position (GRCh38, 1-based): chr5:88,731,764, T>C on the plus strand (A>G on the coding strand, the complement: MEF2C is on the minus strand). VCF-style: chr5-88731764-T-C. GRCh37 (hg19) VCF-style: chr5-88027581-T-C.
Other names: c.775A>G, p.Ile259Val (NM_001364333.2, NM_001364334.2, NM_001364335.2 and 18 more transcripts); c.829A>G, p.Ile277Val (NM_001364338.2, NM_001193347.1); c.775A>G (NM_002397.4); c.769A>G, p.Ile257Val (NM_001364343.2, NM_001364352.2, NM_001131005.2); c.631A>G, p.Ile211Val (NM_001364344.2, NM_001364354.2, NM_001364355.2 and 3 more transcripts); c.397A>G, p.Ile133Val (NM_001364353.2, NM_001364356.2); c.349A>G, p.Ile117Val (NM_001364357.2); short protein forms I117V, I133V, I259V, I211V, I257V, I277V.
Identifiers: ClinVar variation 2726477 (VCV002726477.4), dbSNP rs759108180, ClinGen allele CA3337253.
Genomic context (GRCh38, chr5:88,731,764, plus strand): 5'-TATTTAAAATGTAGTTTTGTATTACCACTGATGGCATCGTATTCTTGCTGCCTGGTGGAA[T>C]AAGAACTCGGAGATCTGGTTTACGGTTATTCATTCCTAAATTCATTGGGGGAGGAGATTT-3'
Protein context (NP_002388.2, residues 249-269): NNRKPDLRVL[Ile259Val]PPGSKNTMPS